The following is an entry in ClinVar:

ClinVar aggregate classification (germline): Uncertain significance (1 of 4 stars; one submission).

Submission:

Labcorp Genetics (formerly Invitae), Labcorp
Classification: Uncertain significance. Last evaluated: 2022-05-17. Review status: criteria provided, single submitter. Criteria: Invitae Variant Classification Sherloc (09022015). Collection method: clinical testing. Allele origin: germline.
Comment: This sequence change replaces leucine, which is neutral and non-polar, with phenylalanine, which is neutral and non-polar, at codon 283 of the CREB3L1 protein (p.Leu283Phe). This variant is not present in population databases (gnomAD no frequency). This variant has not been reported in the literature in individuals affected with CREB3L1-related conditions. Algorithms developed to predict the effect of missense changes on protein structure and function are either unavailable or do not agree on the potential impact of this missense change (SIFT: "Deleterious"; PolyPhen-2: "Probably Damaging"; Align-GVGD: "Class C15"). In summary, the available evidence is currently insufficient to determine the role of this variant in disease. Therefore, it has been classified as a Variant of Uncertain Significance.

NM_052854.4(CREB3L1):c.847C>T (p.Leu283Phe)

Gene: CREB3L1 (cAMP responsive element binding protein 3 like 1; plus strand). Cytogenetic location: 11p11.2.
Variant type: single nucleotide variant.
Coding change: c.847C>T on transcript NM_052854.4 (MANE Select); coding-DNA position 847, C replaced by T.
Protein change: p.Leu283Phe; replaces leucine 283 with phenylalanine.
Molecular consequence: missense variant.
Genome position (GRCh38, 1-based): chr11:46,312,418, C>T. VCF-style: chr11-46312418-C-T. GRCh37 (hg19) VCF-style: chr11-46333969-C-T.
Other names: short protein forms L283F.
Identifiers: ClinVar variation 1995484 (VCV001995484.4), dbSNP rs2496169800, ClinGen allele CA380221652.
Genomic context (GRCh38, chr11:46,312,418, plus strand): 5'-ACAGAGGAGGAGAAGCGGACCCTGATTGCTGAGGGCTACCCCATCCCCACAAAACTCCCC[C>T]TCACCAAAGCCGAGGAGAAGGCCTTGAAGAGAGTCCGGAGGAAAATCAAGAACAAGGTAA-3'
Protein context (NP_443086.1, residues 273-293): EGYPIPTKLP[Leu283Phe]TKAEEKALKR